The following is an entry in ClinVar:

NM_004168.4(SDHA):c.1787A>T (p.Asp596Val)

Gene: SDHA (succinate dehydrogenase complex flavoprotein subunit A; plus strand). Cytogenetic location: 5p15.33.
Variant type: single nucleotide variant.
Coding change: c.1787A>T on transcript NM_004168.4 (MANE Select); coding-DNA position 1787, A replaced by T.
Protein change: p.Asp596Val; replaces aspartic acid 596 with valine.
Molecular consequence: missense variant. On other transcripts: intron variant (1).
Genome position (GRCh38, 1-based): chr5:251,461, A>T. VCF-style: chr5-251461-A-T. GRCh37 (hg19) VCF-style: chr5-251576-A-T.
Other names: c.1643A>T, p.Asp548Val (NM_001294332.2); c.1552-2932A>T (NM_001330758.2); short protein forms D548V, D596V.
Identifiers: ClinVar variation 2922022 (VCV002922022.3), dbSNP rs1126557, ClinGen allele CA359000464.

ClinVar aggregate classification (germline): Uncertain significance (1 of 4 stars; one submission).

Conditions:
Mitochondrial complex II deficiency, nuclear type 1. Also called: SUCCINATE CoQ REDUCTASE DEFICIENCY. Identifiers: Orphanet 3208, MedGen C5700310, MONDO:0100294, OMIM 252011.
Pheochromocytoma/paraganglioma syndrome 5. Also called: Paragangliomas 5; SDHA-Related Hereditary Paraganglioma-Pheochromocytoma Syndrome. Identifiers: Orphanet 29072, MedGen C3279992, MONDO:0013602, OMIM 614165.

Submission:

Labcorp Genetics (formerly Invitae), Labcorp
Classification: Uncertain significance for Pheochromocytoma/paraganglioma syndrome 5; Mitochondrial complex II deficiency, nuclear type 1. Last evaluated: 2024-01-07. Review status: criteria provided, single submitter. Criteria: Invitae Variant Classification Sherloc (09022015). Collection method: clinical testing. Allele origin: germline.
Comment: This sequence change replaces aspartic acid, which is acidic and polar, with valine, which is neutral and non-polar, at codon 596 of the SDHA protein (p.Asp596Val). This variant is not present in population databases (gnomAD no frequency). This variant has not been reported in the literature in individuals affected with SDHA-related conditions. Advanced modeling of protein sequence and biophysical properties (such as structural, functional, and spatial information, amino acid conservation, physicochemical variation, residue mobility, and thermodynamic stability) has been performed at Invitae for this missense variant, however the output from this modeling did not meet the statistical confidence thresholds required to predict the impact of this variant on SDHA protein function. In summary, the available evidence is currently insufficient to determine the role of this variant in disease. Therefore, it has been classified as a Variant of Uncertain Significance.